The following is an entry in ClinVar:

NM_005027.4(PIK3R2):c.1185C>G (p.Phe395Leu)

Gene: PIK3R2 (phosphoinositide-3-kinase regulatory subunit 2; plus strand). Cytogenetic location: 19p13.11.
Variant type: single nucleotide variant.
Coding change: c.1185C>G on transcript NM_005027.4 (MANE Select); coding-DNA position 1185, C replaced by G.
Protein change: p.Phe395Leu; replaces phenylalanine 395 with leucine.
Molecular consequence: missense variant. On other transcripts: non-coding transcript variant (2).
Genome position (GRCh38, 1-based): chr19:18,163,042, C>G. VCF-style: chr19-18163042-C-G. GRCh37 (hg19) VCF-style: chr19-18273852-C-G.
Other names: short protein forms F395L.
Identifiers: ClinVar variation 5010061 (VCV005010061.1).

ClinVar aggregate classification (germline): Uncertain significance (1 of 4 stars; one submission).

Submission:

GeneDx
Classification: Uncertain significance. Last evaluated: 2026-02-23. Review status: criteria provided, single submitter. Criteria: GeneDx Variant Classification Process June 2021. Collection method: clinical testing. Allele origin: germline.
Comment: Not observed at significant frequency in large population cohorts (gnomAD); In silico analysis supports that this missense variant has a deleterious effect on protein structure/function; Has not been previously published as pathogenic or benign to our knowledge